The following is an entry in ClinVar:

ClinVar aggregate classification (germline): Uncertain significance (1 of 4 stars; one submission).

Conditions:
Cardiovascular phenotype. Identifiers: MedGen CN230736.

gnomAD v4.1: 1 of 1,614,240 alleles (0.000062%); no homozygotes.

Submission:

Ambry Genetics
Classification: Uncertain significance for Cardiovascular phenotype. Last evaluated: 2022-11-01. Review status: criteria provided, single submitter. Criteria: Ambry Variant Classification Scheme 2023. Collection method: clinical testing. Allele origin: germline.
Comment: The p.Q2992R variant (also known as c.8975A>G), located in coding exon 10 of the ALMS1 gene, results from an A to G substitution at nucleotide position 8975. The glutamine at codon 2992 is replaced by arginine, an amino acid with highly similar properties. This amino acid position is well conserved in available vertebrate species. In addition, this alteration is predicted to be tolerated by in silico analysis. Since supporting evidence is limited at this time, the clinical significance of this alteration remains unclear.

NM_001378454.1(ALMS1):c.8972A>G (p.Gln2991Arg)

Gene: ALMS1 (ALMS1 centrosome and basal body associated protein; plus strand). Cytogenetic location: 2p13.1.
Variant type: single nucleotide variant.
Coding change: c.8972A>G on transcript NM_001378454.1 (MANE Select); coding-DNA position 8972, A replaced by G.
Protein change: p.Gln2991Arg; replaces glutamine 2991 with arginine.
Molecular consequence: missense variant.
Genome position (GRCh38, 1-based): chr2:73,490,931, A>G. VCF-style: chr2-73490931-A-G. GRCh37 (hg19) VCF-style: chr2-73718058-A-G.
Other names: c.8975A>G, p.Gln2992Arg (NM_015120.4); short protein forms Q2991R, Q2992R.
Identifiers: ClinVar variation 2497332 (VCV002497332.2), dbSNP rs2103894118, ClinGen allele CA347272050.
Genomic context (GRCh38, chr2:73,490,931, plus strand): 5'-GCAAAGCGCCAGGTGTAGATGACCAAATGAATAAACACCATTTTCCCCTTCCTCAAGGTC[A>G]GGATTGTGTAGTGGAAAAGAATAATCAACATAAGCCTAAATCACACATTTCTAATATAAA-3'
Protein context (NP_001365383.1, residues 2981-3001): NKHHFPLPQG[Gln2991Arg]DCVVEKNNQH